The following is an entry in ClinVar:

NM_000091.5(COL4A3):c.2176dup (p.Met726fs)

Genes: COL4A3 (collagen type IV alpha 3 chain; plus strand), MFF-DT (MFF divergent transcript; minus strand). Cytogenetic location: 2q36.3.
Variant type: Duplication.
Coding change: c.2176dup on transcript NM_000091.5 (MANE Select); coding-DNA position 2176, one base duplicated (A; older notation c.2176dupA).
Protein change: p.Met726fs; shifts the reading frame from methionine 726.
Molecular consequence: frameshift variant.
Genome position (GRCh38, 1-based): chr2:227,279,843, A duplicated; the last of 5 consecutive A bases (chr2:227,279,839-227,279,843); duplicating any one gives the same sequence. VCF-style (leftmost placement, unchanged base first): chr2-227279838-G-GA. GRCh37 (hg19) VCF-style: chr2-228144554-G-GA.
Other names: c.2176dup (NM_000091.4); short protein forms M726fs.
Identifiers: ClinVar variation 585518 (VCV000585518.3), dbSNP rs1559893935, ClinGen allele CA891842465.

ClinVar aggregate classification (germline): Pathogenic/Likely pathogenic. Review status: criteria provided, multiple submitters, no conflicts (2 of 4 stars). 2 submissions from 2 submitters: Pathogenic (1); Likely pathogenic (1). Last evaluated 2025-01-22.

Conditions:
Alport syndrome. Also called: Hemorrhagic familial nephritis; Hemorrhagic hereditary nephritis; Congenital hereditary hematuria. Identifiers: Orphanet 63, MedGen C1567741, MONDO:0018965.

Submissions (2):

Natera, Inc.
Classification: Likely pathogenic for Alport syndrome. Last evaluated: 2025-01-22. Review status: criteria provided, single submitter. Criteria: Natera Variant Classification Schema (03/2026). Collection method: clinical testing. Allele origin: germline.
Comment: The c.2176dup variant in COL4A3 is a frameshift variant predicted to shift the reading frame beginning at codon 726 and leads to a stop codon 60 codons downstream. This variant is expected to result in nonsense mediated decay, truncation, or a dysfunctional protein product. This variant is rare in the general population with a frequency below the threshold expected for the associated phenotype(s). Given the available evidence, this variant is classified as Likely Pathogenic.

Athena Diagnostics
Classification: Pathogenic. Last evaluated: 2018-05-09. Review status: criteria provided, single submitter. Criteria: Athena Diagnostics Criteria. Collection method: clinical testing. Allele origin: germline.